The following is an entry in ClinVar:

ClinVar aggregate classification (germline): Uncertain significance. Review status: criteria provided, multiple submitters, no conflicts (2 of 4 stars). 2 submissions from 2 submitters: Uncertain significance (2). Last evaluated 2021-12-22.

Allele frequency attached by ClinVar (database versions not stated): gnomAD exomes below 0.00001; ExAC 0.00001; gnomAD 0.00001; TOPMed 0.00001.
gnomAD v4.1: 2 of 1,593,870 alleles (0.00013%); highest among the groups gnomAD compares: African/African-American, 0.0027%; no homozygotes.

Submissions (2):

Labcorp Genetics (formerly Invitae), Labcorp
Classification: Uncertain significance. Last evaluated: 2021-12-22. Review status: criteria provided, single submitter. Criteria: Invitae Variant Classification Sherloc (09022015). Collection method: clinical testing. Allele origin: germline.
Comment: In summary, the available evidence is currently insufficient to determine the role of this variant in disease. Therefore, it has been classified as a Variant of Uncertain Significance. Algorithms developed to predict the effect of missense changes on protein structure and function (SIFT, PolyPhen-2, Align-GVGD) all suggest that this variant is likely to be tolerated. This variant has not been reported in the literature in individuals affected with IFT74-related conditions. This variant is present in population databases (rs769077886, gnomAD 0.007%). This sequence change replaces glutamine, which is neutral and polar, with arginine, which is basic and polar, at codon 476 of the IFT74 protein (p.Gln476Arg).

Genetic Services Laboratory, University of Chicago
Classification: Uncertain significance. Last evaluated: 2021-08-24. Review status: criteria provided, single submitter. Criteria: ACMG Guidelines, 2015. Collection method: clinical testing. Allele origin: germline. Affected: no.
Comment: This sequence change does not appear to have been previously described in patients with IFT74-related disorders and has been described in one individual which corresponds to a population frequency of 0.00044% (dbSNP rs769077886). The p.Gln476Arg change affects a moderately conserved amino acid residue located in a domain of the IFT74 protein that is not known to be functional. The p.Gln476Arg substitution appears to be benign using several in-silico pathogenicity prediction tools (SIFT, PolyPhen2, Align GVGD, REVEL). Due to these contrasting evidences and the lack of functional studies, the clinical significance of the p.Gln476Arg change remains unknown at this time.

NM_025103.4(IFT74):c.1427A>G (p.Gln476Arg)

Gene: IFT74 (intraflagellar transport 74; plus strand). Cytogenetic location: 9p21.2.
Variant type: single nucleotide variant.
Coding change: c.1427A>G on transcript NM_025103.4 (MANE Select); coding-DNA position 1427, A replaced by G.
Protein change: p.Gln476Arg; replaces glutamine 476 with arginine.
Molecular consequence: missense variant.
Genome position (GRCh38, 1-based): chr9:27,055,702, A>G. VCF-style: chr9-27055702-A-G. GRCh37 (hg19) VCF-style: chr9-27055700-A-G.
Other names: c.1427A>G, p.Gln476Arg (NM_001099222.3, NM_001099223.3, NM_001349928.2); short protein forms Q476R.
Identifiers: ClinVar variation 1338076 (VCV001338076.8), dbSNP rs769077886, ClinGen allele CA5015666.
Genomic context (GRCh38, chr9:27,055,702, plus strand): 5'-TGGAGCTTCTAGAAAGTAAGATGACTGAAGAACAGCATTCTCTAAAAAGCAAAATTAAGC[A>G]AATGACAACTGATCTGGAGATATATAATGATTTGCCAGCTTTAAAATCATCAGGTGAAGA-3'
Protein context (NP_079379.2, residues 466-486): EQHSLKSKIK[Gln476Arg]MTTDLEIYND